The following is an entry in ClinVar:

NM_001466.4(FZD2):c.934G>A (p.Glu312Lys)

Gene: FZD2 (frizzled class receptor 2; plus strand). Cytogenetic location: 17q21.31.
Variant type: single nucleotide variant.
Coding change: c.934G>A on transcript NM_001466.4 (MANE Select); coding-DNA position 934, G replaced by A.
Protein change: p.Glu312Lys; replaces glutamic acid 312 with lysine.
Molecular consequence: missense variant.
Genome position (GRCh38, 1-based): chr17:44,558,622, G>A. VCF-style: chr17-44558622-G-A. GRCh37 (hg19) VCF-style: chr17-42635990-G-A.
Other names: short protein forms E312K.
Identifiers: ClinVar variation 4808325 (VCV004808325.1).

ClinVar aggregate classification (germline): Uncertain significance (1 of 4 stars; one submission).

Submission:

Labcorp Genetics (formerly Invitae), Labcorp
Classification: Uncertain significance. Last evaluated: 2025-03-31. Review status: criteria provided, single submitter. Criteria: Invitae Variant Classification Sherloc (09022015). Collection method: clinical testing. Allele origin: germline.
Comment: This sequence change replaces glutamic acid, which is acidic and polar, with lysine, which is basic and polar, at codon 312 of the FZD2 protein (p.Glu312Lys). This variant is not present in population databases (gnomAD no frequency). This variant has not been reported in the literature in individuals affected with FZD2-related conditions. An algorithm developed to predict the effect of missense changes on protein structure and function (PolyPhen-2) suggests that this variant is likely to be tolerated. In summary, the available evidence is currently insufficient to determine the role of this variant in disease. Therefore, it has been classified as a Variant of Uncertain Significance.